The following is an entry in ClinVar:

NM_005204.4(MAP3K8):c.1090C>G (p.Leu364Val)

Gene: MAP3K8 (mitogen-activated protein kinase kinase kinase 8; plus strand). Cytogenetic location: 10p11.23.
Variant type: single nucleotide variant.
Coding change: c.1090C>G on transcript NM_005204.4 (MANE Select); coding-DNA position 1090, C replaced by G.
Protein change: p.Leu364Val; replaces leucine 364 with valine.
Molecular consequence: missense variant.
Genome position (GRCh38, 1-based): chr10:30,459,318, C>G. VCF-style: chr10-30459318-C-G. GRCh37 (hg19) VCF-style: chr10-30748247-C-G.
Other names: c.1090C>G, p.Leu364Val (NM_001244134.1, NM_001320961.2); short protein forms L364V.
Identifiers: ClinVar variation 2715327 (VCV002715327.3), dbSNP rs773495911, ClinGen allele CA5459860.
Genomic context (GRCh38, chr10:30,459,318, plus strand): 5'-CACAAGCAAGCACCTCCACTGGAAGACATTGCAGATGACTGCAGTCCAGGGATGAGAGAG[C>G]TGATAGAAGCTTCCCTGGAGAGAAACCCCAATCACCGCCCAAGAGCCGCAGACCTACTAA-3'
Protein context (NP_005195.2, residues 354-374): ADDCSPGMRE[Leu364Val]IEASLERNPN

ClinVar aggregate classification (germline): Uncertain significance (1 of 4 stars; one submission).

Allele frequency attached by ClinVar (database versions not stated): gnomAD exomes below 0.00001; ExAC 0.00001.
gnomAD v4.1: 1 of 1,614,146 alleles (0.000062%); highest among the groups gnomAD compares: Admixed American, 0.0017%; no homozygotes.

Submission:

Labcorp Genetics (formerly Invitae), Labcorp
Classification: Uncertain significance. Last evaluated: 2023-03-02. Review status: criteria provided, single submitter. Criteria: Invitae Variant Classification Sherloc (09022015). Collection method: clinical testing. Allele origin: germline.
Comment: In summary, the available evidence is currently insufficient to determine the role of this variant in disease. Therefore, it has been classified as a Variant of Uncertain Significance. This sequence change replaces leucine, which is neutral and non-polar, with valine, which is neutral and non-polar, at codon 364 of the MAP3K8 protein (p.Leu364Val). This variant is present in population databases (rs773495911, gnomAD 0.003%). This variant has not been reported in the literature in individuals affected with MAP3K8-related conditions. Algorithms developed to predict the effect of missense changes on protein structure and function output the following: SIFT: "Not Available"; PolyPhen-2: "Benign"; Align-GVGD: "Not Available". The valine amino acid residue is found in multiple mammalian species, which suggests that this missense change does not adversely affect protein function.